The following is an entry in ClinVar:

NM_000092.5(COL4A4):c.4315G>T (p.Gly1439Cys)

Gene: COL4A4 (collagen type IV alpha 4 chain; minus strand). Cytogenetic location: 2q36.3.
Variant type: single nucleotide variant.
Coding change: c.4315G>T on transcript NM_000092.5 (MANE Select); coding-DNA position 4315, G replaced by T.
Protein change: p.Gly1439Cys; replaces glycine 1439 with cysteine.
Molecular consequence: missense variant.
Genome position (GRCh38, 1-based): chr2:227,012,199, C>A on the plus strand (G>T on the coding strand, the complement: COL4A4 is on the minus strand). VCF-style: chr2-227012199-C-A. GRCh37 (hg19) VCF-style: chr2-227876915-C-A.
Other names: short protein forms G1439C.
Identifiers: ClinVar variation 3340038 (VCV003340038.2).

ClinVar aggregate classification (germline): Conflicting classifications of pathogenicity. Review status: criteria provided, conflicting classifications (1 of 4 stars). 2 submissions from 2 submitters: Likely pathogenic (1); Uncertain significance (1). Last evaluated 2024-06-17.

Conditions:
Autosomal recessive Alport syndrome (ATS2). Also called: COL4A4 Alport Syndrome and Thin Basement Membrane Nephropathy; ALPORT SYNDROME 2, AUTOSOMAL RECESSIVE; Alport syndrome type 2; COL4A3-Related Nephropathy. Identifiers: Orphanet 63, Orphanet 88919, MedGen C4746745, MONDO:0008762, OMIM 203780.
Hematuria, benign familial, 1 (BFH1). Also called: THIN MEMBRANE NEPHROPATHY. Identifiers: MedGen CN376803, MONDO:0007709, OMIM 141200.

Submissions (2):

Fulgent Genetics
Classification: Likely pathogenic for Hematuria, benign familial, 1; Autosomal recessive Alport syndrome. Last evaluated: 2024-06-17. Review status: criteria provided, single submitter. Criteria: ACMG Guidelines, 2015. Collection method: clinical testing. Allele origin: germline.

Women's Health and Genetics/Laboratory Corporation of America, LabCorp
Classification: Uncertain significance. Last evaluated: 2024-06-17. Review status: criteria provided, single submitter. Criteria: LabCorp Variant Classification Summary - May 2015. Collection method: clinical testing. Allele origin: germline.
Comment: Variant summary: COL4A4 c.4315G>T (p.Gly1439Cys) results in a non-conservative amino acid change in the encoded protein sequence. Five of five in-silico tools predict a damaging effect of the variant on protein function. The variant was absent in 249494 control chromosomes. The available data on variant occurrences in the general population are insufficient to allow any conclusion about variant significance. To our knowledge, no occurrence of c.4315G>T in individuals affected with Alport Syndrome, Autosomal Recessive and no experimental evidence demonstrating its impact on protein function have been reported. No submitters have cited clinical-significance assessments for this variant to ClinVar. Based on the evidence outlined above, the variant was classified as uncertain significance.